The following is an entry in ClinVar:

ClinVar aggregate classification (germline): Uncertain significance (1 of 4 stars; one submission).

Submission:

GeneDx
Classification: Uncertain significance. Last evaluated: 2022-12-21. Review status: criteria provided, single submitter. Criteria: GeneDx Variant Classification Process June 2021. Collection method: clinical testing. Allele origin: germline. Affected: yes.
Comment: Not observed at significant frequency in large population cohorts (gnomAD); In silico analysis supports that this missense variant has a deleterious effect on protein structure/function; Has not been previously published as pathogenic or benign to our knowledge

NM_138694.4(PKHD1):c.5183C>T (p.Ser1728Phe)

Genes: PKHD1 (PKHD1 ciliary IPT domain containing fibrocystin/polyductin; minus strand), LOC126859690 (MED14-independent group 3 enhancer GRCh37_chr6:51888848-51890047; plus strand). Cytogenetic location: 6p12.2.
Variant type: single nucleotide variant.
Coding change: c.5183C>T on transcript NM_138694.4 (MANE Select); coding-DNA position 5183, C replaced by T.
Protein change: p.Ser1728Phe; replaces serine 1728 with phenylalanine.
Molecular consequence: missense variant.
Genome position (GRCh38, 1-based): chr6:52,024,627, G>A on the plus strand (C>T on the coding strand, the complement: PKHD1 is on the minus strand). VCF-style: chr6-52024627-G-A. GRCh37 (hg19) VCF-style: chr6-51889425-G-A.
Other names: c.5183C>T, p.Ser1728Phe (NM_170724.3); short protein forms S1728F.
Identifiers: ClinVar variation 2506706 (VCV002506706.1), dbSNP rs2532685087, ClinGen allele CA364428190.